The following is an entry in ClinVar:

ClinVar aggregate classification (germline): Benign. Review status: criteria provided, multiple submitters, no conflicts (2 of 4 stars). 2 submissions from 2 submitters: Benign (2). Last evaluated 2023-11-12.

Submissions (2):

Unidad de Genómica Garrahan, Hospital de Pediatría Garrahan
Classification: Benign. Last evaluated: 2023-11-12. Review status: criteria provided, single submitter. Criteria: ACMG Guidelines, 2015. Collection method: clinical testing. Allele origin: germline. Affected: no. Observed: 21 variant alleles.
Comment: This variant is classified as Benign based on local population frequency. This variant was detected in 22% of patients studied by a panel of primary immunodeficiencies. Number of patients: 21. Only high quality variants are reported.

GeneDx
Classification: Benign. Last evaluated: 2021-05-11. Review status: criteria provided, single submitter. Criteria: GeneDx Variant Classification Process June 2021. Collection method: clinical testing. Allele origin: germline. Affected: yes.

NM_001282225.2(ADA2):c.753+3866_753+3868del

Gene: ADA2 (adenosine deaminase 2; minus strand). Cytogenetic location: 22q11.1.
Variant type: Deletion.
Coding change: c.753+3866_753+3868del on transcript NM_001282225.2 (MANE Select); bases 3866 to 3868 of the intron after coding-DNA position 753, 3 bases deleted (CCT; older notation c.753+3866_753+3868delCCT).
Molecular consequence: intron variant.
Genome position (GRCh38, 1-based): chr22:17,199,695-17,199,697, AGG deleted on the plus strand (CCT on the coding strand, the reverse complement: ADA2 is on the minus strand); deleting any 3 consecutive bases within chr22:17,199,695-17,199,699 gives the same sequence; the c. name uses the placement nearest the transcript's 3' end. VCF-style (leftmost placement, unchanged base first): chr22-17199694-TAGG-T. GRCh37 (hg19) VCF-style: chr22-17680584-TAGG-T.
Other names: c.627+3866_627+3868del (NM_001282227.2, NM_001282228.2); c.393+3866_393+3868del (NM_001282229.2); c.753+3866_753+3868del (NM_001282226.2).
Identifiers: ClinVar variation 1226292 (VCV001226292.5), dbSNP rs35963312, ClinGen allele CA321160060.